The following is an entry in ClinVar:

ClinVar aggregate classification (germline): Uncertain significance. Review status: criteria provided, multiple submitters, no conflicts (2 of 4 stars). 4 submissions from 4 submitters: Uncertain significance (4). Last evaluated 2025-09-23.

Conditions:
Catecholaminergic polymorphic ventricular tachycardia (CVPT). Also called: Catecholamine-induced polymorphic ventricular tachycardia. Identifiers: Orphanet 3286, MedGen C5574922, MONDO:0017990.
Cardiovascular phenotype. Identifiers: MedGen CN230736.
Cardiomyopathy (CMYO). Also called: Cardiomyopathies. Identifiers: Orphanet 167848, MedGen C0878544, MONDO:0004994, HP:0001638. Inheritance: Various modes of inheritance.
Catecholaminergic polymorphic ventricular tachycardia 1. Also called: VENTRICULAR TACHYCARDIA, CATECHOLAMINERGIC POLYMORPHIC, 1, WITH OR WITHOUT ATRIAL DYSFUNCTION AND/OR DILATED CARDIOMYOPATHY; RYR2-Related Catecholaminergic Polymorphic Ventricular Tachycardia; VENTRICULAR TACHYCARDIA, STRESS-INDUCED POLYMORPHIC 1. Identifiers: Orphanet 3286, MedGen C1631597, MONDO:0011484, OMIM 604772.

Allele frequency attached by ClinVar (database versions not stated): gnomAD exomes below 0.00001; TOPMed below 0.00001; ExAC 0.00001.
gnomAD v4.1: 16 of 1,613,824 alleles (0.00099%); highest among the groups gnomAD compares: Non-Finnish European, 0.0013%; no homozygotes.

Submissions (4):

Labcorp Genetics (formerly Invitae), Labcorp
Classification: Uncertain significance for Catecholaminergic polymorphic ventricular tachycardia 1. Last evaluated: 2025-09-23. Review status: criteria provided, single submitter. Criteria: Invitae Variant Classification Sherloc (09022015). Collection method: clinical testing. Allele origin: germline.
Comment: This sequence change replaces glycine, which is neutral and non-polar, with valine, which is neutral and non-polar, at codon 4039 of the RYR2 protein (p.Gly4039Val). This variant is present in population databases (rs749706996, gnomAD 0.0009%). This variant has not been reported in the literature in individuals affected with RYR2-related conditions. ClinVar contains an entry for this variant (Variation ID: 919710). Invitae Evidence Modeling of protein sequence and biophysical properties (such as structural, functional, and spatial information, amino acid conservation, physicochemical variation, residue mobility, and thermodynamic stability) indicates that this missense variant is not expected to disrupt RYR2 protein function with a negative predictive value of 95%. In summary, the available evidence is currently insufficient to determine the role of this variant in disease. Therefore, it has been classified as a Variant of Uncertain Significance.

Ambry Genetics
Classification: Uncertain significance for Cardiovascular phenotype. Last evaluated: 2025-06-13. Review status: criteria provided, single submitter. Criteria: Ambry Variant Classification Scheme 2023. Collection method: clinical testing. Allele origin: germline.
Comment: The p.G4039V variant (also known as c.12116G>T), located in coding exon 90 of the RYR2 gene, results from a G to T substitution at nucleotide position 12116. The glycine at codon 4039 is replaced by valine, an amino acid with dissimilar properties. This amino acid position is well conserved in available vertebrate species. In addition, the in silico prediction for this alteration is inconclusive. Based on the available evidence, the clinical significance of this variant remains unclear.

All of Us Research Program, National Institutes of Health
Classification: Uncertain significance for Catecholaminergic polymorphic ventricular tachycardia. Last evaluated: 2024-08-13. Review status: criteria provided, single submitter. Criteria: ACMG Guidelines, 2015. Collection method: clinical testing. Allele origin: germline. Inheritance: Autosomal dominant inheritance. Observed: 8 variant alleles, 8 heterozygotes.
Comment: This missense variant replaces glycine with valine at codon 4039 of the RYR2 protein. Computational prediction tool is inconclusive regarding the impact of this variant on protein structure and function (internally defined REVEL score threshold 0.5 < inconclusive < 0.7, PMID: 27666373). Splice site prediction tools suggest that this variant may not impact RNA splicing. To our knowledge, functional studies have not been performed for this variant. This variant has not been reported in individuals affected with cardiovascular disorders in the literature. This variant has been identified in 1/248512 chromosomes in the general population by the Genome Aggregation Database (gnomAD). The available evidence is insufficient to determine the role of this variant in disease conclusively. Therefore, this variant is classified as a Variant of Uncertain Significance.

This study involves interpretation of variants in research participants for the purpose of population health screening. Participant phenotype was not available at the time of variant classification. Additional details can be found in publication PMID: 35346344, PMCID: PMC8962531

Color Diagnostics, LLC DBA Color Health
Classification: Uncertain significance for Cardiomyopathy. Last evaluated: 2024-03-06. Review status: criteria provided, single submitter. Criteria: ACMG Guidelines, 2015. Collection method: clinical testing. Allele origin: germline.
Comment: This variant is located in the RYR2 protein. Computational prediction is inconclusive regarding the impact of this variant on protein structure and function (internally defined REVEL score threshold 0.5 < inconclusive < 0.7, PMID: 27666373). To our knowledge, functional studies have not been reported for this variant. This variant has not been reported in individuals affected with RYR2-related disorders in the literature. This variant has been identified in 1/248512 chromosomes in the general population by the Genome Aggregation Database (gnomAD). The available evidence is insufficient to determine the role of this variant in disease conclusively. Therefore, this variant is classified as a Variant of Uncertain Significance.

NM_001035.3(RYR2):c.12116G>T (p.Gly4039Val)

Gene: RYR2 (ryanodine receptor 2; plus strand). Cytogenetic location: 1q43.
Variant type: single nucleotide variant.
Coding change: c.12116G>T on transcript NM_001035.3 (MANE Select); coding-DNA position 12116, G replaced by T.
Protein change: p.Gly4039Val; replaces glycine 4039 with valine.
Molecular consequence: missense variant.
Genome position (GRCh38, 1-based): chr1:237,783,828, G>T. VCF-style: chr1-237783828-G-T. GRCh37 (hg19) VCF-style: chr1-237947128-G-T.
Other names: c.12116G>T (NM_001035.2); short protein forms G4039V.
Identifiers: ClinVar variation 919710 (VCV000919710.11), dbSNP rs749706996, ClinGen allele CA085130.